The following is an entry in ClinVar:

NM_017636.4(TRPM4):c.1449C>A (p.Ser483Arg)

Gene: TRPM4 (transient receptor potential cation channel subfamily M member 4; plus strand). Cytogenetic location: 19q13.33.
Variant type: single nucleotide variant.
Coding change: c.1449C>A on transcript NM_017636.4 (MANE Select); coding-DNA position 1449, C replaced by A.
Protein change: p.Ser483Arg; replaces serine 483 with arginine.
Molecular consequence: missense variant. On other transcripts: 5 prime UTR variant (1).
Genome position (GRCh38, 1-based): chr19:49,182,763, C>A. VCF-style: chr19-49182763-C-A. GRCh37 (hg19) VCF-style: chr19-49686020-C-A.
Other names: c.1449C>A, p.Ser483Arg (NM_001195227.2); c.1104C>A, p.Ser368Arg (NM_001321281.2); c.-105C>A (NM_001321282.2); c.927C>A, p.Ser309Arg (NM_001321283.2); c.387C>A, p.Ser129Arg (NM_001321285.2); short protein forms S368R, S129R, S483R, S309R.
Identifiers: ClinVar variation 2139744 (VCV002139744.4), dbSNP rs937917897, ClinGen allele CA406799364.
Genomic context (GRCh38, chr19:49,182,763, plus strand): 5'-CTACAGCGCGGCGCCCTCCAACTCGCTCATCCGCAACCTTTTGGACCAGGCGTCCCACAG[C>A]GCAGGCACCAAAGCCCCAGCCCTAAAAGGGGGAGCTGCGGAGCTCCGGCCCCCTGACGTG-3'
Protein context (NP_060106.2, residues 473-493): IRNLLDQASH[Ser483Arg]AGTKAPALKG

ClinVar aggregate classification (germline): Uncertain significance (1 of 4 stars; one submission).

Conditions:
Progressive familial heart block type IB (PFHB1B). Identifiers: Orphanet 871, MedGen C1970298, MONDO:0011474, OMIM 604559.

gnomAD v4.1: 1 of 1,613,774 alleles (0.000062%); highest among the groups gnomAD compares: Non-Finnish European, 0.000085%; no homozygotes.

Submission:

Labcorp Genetics (formerly Invitae), Labcorp
Classification: Uncertain significance for Progressive familial heart block type IB. Last evaluated: 2022-07-14. Review status: criteria provided, single submitter. Criteria: Invitae Variant Classification Sherloc (09022015). Collection method: clinical testing. Allele origin: germline.
Comment: This sequence change replaces serine, which is neutral and polar, with arginine, which is basic and polar, at codon 483 of the TRPM4 protein (p.Ser483Arg). In summary, the available evidence is currently insufficient to determine the role of this variant in disease. Therefore, it has been classified as a Variant of Uncertain Significance. Algorithms developed to predict the effect of missense changes on protein structure and function (SIFT, PolyPhen-2, Align-GVGD) all suggest that this variant is likely to be tolerated. This variant has not been reported in the literature in individuals affected with TRPM4-related conditions. This variant is not present in population databases (gnomAD no frequency).